The following is an entry in ClinVar:

NM_017739.4(POMGNT1):c.842G>T (p.Cys281Phe)

Genes: POMGNT1 (protein O-linked mannose N-acetylglucosaminyltransferase 1 (beta 1,2-); minus strand), TSPAN1 (tetraspanin 1; plus strand). Cytogenetic location: 1p34.1.
Variant type: single nucleotide variant.
Coding change: c.842G>T on transcript NM_017739.4 (MANE Select); coding-DNA position 842, G replaced by T.
Protein change: p.Cys281Phe; replaces cysteine 281 with phenylalanine.
Molecular consequence: missense variant.
Genome position (GRCh38, 1-based): chr1:46,194,311, C>A on the plus strand (G>T on the coding strand, the complement: POMGNT1 is on the minus strand). VCF-style: chr1-46194311-C-A. GRCh37 (hg19) VCF-style: chr1-46659983-C-A.
Other names: c.842G>T, p.Cys281Phe (NM_001243766.2, NM_001410783.1); c.776G>T, p.Cys259Phe (NM_001290129.3); c.413G>T, p.Cys138Phe (NM_001290130.2); short protein forms C138F, C259F, C281F.
Identifiers: ClinVar variation 1008503 (VCV001008503.9), dbSNP rs1658035130, ClinGen allele CA340182791.

ClinVar aggregate classification (germline): Uncertain significance (1 of 4 stars; one submission).

Conditions:
Autosomal recessive limb-girdle muscular dystrophy type 2O. Also called: Limb-Girdle Muscular Dystrophy Type 3C; MUSCULAR DYSTROPHY-DYSTROGLYCANOPATHY (LIMB-GIRDLE), TYPE C, 3; MUSCULAR DYSTROPHY-DYSTROGLYCANOPATHY, LIMB-GIRDLE, POMGNT1-RELATED. Identifiers: Orphanet 206564, MedGen C3150417, MONDO:0013161, OMIM 613157.
Muscular dystrophy-dystroglycanopathy (congenital with impaired intellectual development), type B, 3. Also called: MUSCULAR DYSTROPHY, CONGENITAL, POMGNT1-RELATED; Muscular dystrophy-dystroglycanopathy (congenital with intellectual disability), type B3. Identifiers: MedGen C3150412, MONDO:0013155, OMIM 613151.

Submission:

Labcorp Genetics (formerly Invitae), Labcorp
Classification: Uncertain significance for Autosomal recessive limb-girdle muscular dystrophy type 2O; Muscular dystrophy-dystroglycanopathy (congenital with impaired intellectual development), type B, 3. Last evaluated: 2022-08-31. Review status: criteria provided, single submitter. Criteria: Invitae Variant Classification Sherloc (09022015). Collection method: clinical testing. Allele origin: germline.
Comment: ClinVar contains an entry for this variant (Variation ID: 1008503). This variant has not been reported in the literature in individuals affected with POMGNT1-related conditions. This variant is not present in population databases (gnomAD no frequency). This sequence change replaces cysteine, which is neutral and slightly polar, with phenylalanine, which is neutral and non-polar, at codon 281 of the POMGNT1 protein (p.Cys281Phe). Advanced modeling of protein sequence and biophysical properties (such as structural, functional, and spatial information, amino acid conservation, physicochemical variation, residue mobility, and thermodynamic stability) performed at Invitae indicates that this missense variant is not expected to disrupt POMGNT1 protein function. In summary, the available evidence is currently insufficient to determine the role of this variant in disease. Therefore, it has been classified as a Variant of Uncertain Significance.